The following is an entry in ClinVar:

ClinVar aggregate classification (germline): Uncertain significance (1 of 4 stars; one submission).

Conditions:
Hereditary cancer-predisposing syndrome. Also called: Neoplastic Syndromes, Hereditary; Tumor predisposition; Hereditary neoplastic syndrome; Hereditary Cancer Syndrome. Identifiers: Orphanet 140162, MedGen C0027672, MeSH D009386, MONDO:0015356.

Submission:

Ambry Genetics
Classification: Uncertain significance for Hereditary cancer-predisposing syndrome. Last evaluated: 2026-07-06. Review status: criteria provided, single submitter. Criteria: Ambry Variant Classification Scheme 2023. Collection method: clinical testing. Allele origin: germline.
Comment: The p.N437Y variant (also known as c.1309A>T), located in coding exon 7 of the RET gene, results from an A to T substitution at nucleotide position 1309. The asparagine at codon 437 is replaced by tyrosine, an amino acid with dissimilar properties. This amino acid position is conserved. In addition, this alteration is predicted to be tolerated by in silico analysis. Based on the available evidence, the clinical significance of this variant remains unclear.

NM_020975.6(RET):c.1309A>T (p.Asn437Tyr)

Gene: RET (ret proto-oncogene; plus strand). Cytogenetic location: 10q11.21.
Variant type: single nucleotide variant.
Coding change: c.1309A>T on transcript NM_020975.6 (MANE Select); coding-DNA position 1309, A replaced by T.
Protein change: p.Asn437Tyr; replaces asparagine 437 with tyrosine.
Molecular consequence: missense variant. On other transcripts: intron variant (15).
Genome position (GRCh38, 1-based): chr10:43,111,252, A>T. VCF-style: chr10-43111252-A-T. GRCh37 (hg19) VCF-style: chr10-43606700-A-T.
Other names: c.547A>T, p.Asn183Tyr (NM_001355216.2); c.1309A>T, p.Asn437Tyr (NM_001406743.1, NM_001406744.1, NM_001406759.1 and 4 more transcripts); c.1180A>T, p.Asn394Tyr (NM_001406761.1, NM_001406762.1, NM_001406764.1 and 1 more transcripts); c.1021A>T, p.Asn341Tyr (NM_001406766.1, NM_001406767.1, NM_001406770.1); c.913A>T, p.Asn305Tyr (NM_001406769.1, NM_001406772.1); c.871A>T, p.Asn291Tyr (NM_001406771.1, NM_001406773.1); c.784A>T, p.Asn262Tyr (NM_001406774.1); c.583A>T, p.Asn195Tyr (NM_001406775.1, NM_001406776.1, NM_001406777.1 and 1 more transcripts); and 5 more; short protein forms N262Y, N394Y, N107Y, N195Y, N305Y, N437Y, N183Y, N291Y.
Identifiers: ClinVar variation 5028171 (VCV005028171.1).